The following is an entry in ClinVar:

ClinVar aggregate classification (germline): Likely benign (1 of 4 stars; one submission).

Allele frequency attached by ClinVar (database versions not stated): 1000 Genomes Project 30x 0.03154; 1000 Genomes Project 0.03235; TOPMed 0.03493; gnomAD 0.03689 and 0.03710.
gnomAD v4.1: 5,634 of 152,306 alleles (3.7%); highest among the groups gnomAD compares: Middle Eastern, 8.2%; 119 homozygotes.

Submission:

GeneDx
Classification: Likely benign. Last evaluated: 2018-06-19. Review status: criteria provided, single submitter. Criteria: GeneDx Variant Classification (06012015). Collection method: clinical testing. Allele origin: germline. Affected: yes.
Comment: This variant is considered likely benign or benign based on one or more of the following criteria: it is a conservative change, it occurs at a poorly conserved position in the protein, it is predicted to be benign by multiple in silico algorithms, and/or has population frequency not consistent with disease.

NM_014141.6(CNTNAP2):c.3247+232G>A

Gene: CNTNAP2 (contactin associated protein 2; plus strand). Cytogenetic location: 7q36.1.
Variant type: single nucleotide variant.
Coding change: c.3247+232G>A on transcript NM_014141.6 (MANE Select); 232 bases into the intron after coding-DNA position 3247, G replaced by A.
Molecular consequence: intron variant.
Genome position (GRCh38, 1-based): chr7:148,217,756, G>A. VCF-style: chr7-148217756-G-A. GRCh37 (hg19) VCF-style: chr7-147914848-G-A.
Identifiers: ClinVar variation 680277 (VCV000680277.1), dbSNP rs116804492, ClinGen allele CA168824080.